The following is an entry in ClinVar:

NM_001318895.3(FHL2):c.210G>T (p.Gln70His)

Genes: C2orf49 (chromosome 2 open reading frame 49; plus strand), FHL2 (four and a half LIM domains 2; minus strand). Cytogenetic location: 2q12.2.
Variant type: single nucleotide variant.
Coding change: c.210G>T on transcript NM_001318895.3 (MANE Select); coding-DNA position 210, G replaced by T.
Protein change: p.Gln70His; replaces glutamine 70 with histidine.
Molecular consequence: missense variant. On other transcripts: 5 prime UTR variant (1), intron variant (2).
Genome position (GRCh38, 1-based): chr2:105,373,680, C>A on the plus strand (G>T on the coding strand, the complement: FHL2 is on the minus strand). VCF-style: chr2-105373680-C-A. GRCh37 (hg19) VCF-style: chr2-105990137-C-A.
Other names: c.210G>T, p.Gln70His (NM_001039492.3, NM_001318894.1, NM_001318896.2 and 4 more transcripts); c.-115G>T (NM_001318899.2); c.-11-5941G>T (NM_001318897.2, NM_001318898.2); short protein forms Q70H.
Identifiers: ClinVar variation 2808276 (VCV002808276.3), dbSNP rs1681257546, ClinGen allele CA348002206.

ClinVar aggregate classification (germline): Uncertain significance (1 of 4 stars; one submission).

Conditions:
Primary dilated cardiomyopathy (DCM). Also called: Dilated Cardiomyopathy. Identifiers: Orphanet 217604, MedGen C0007193, MeSH D002311, MONDO:0005021, HP:0001644. Inheritance: Various modes of inheritance.

Submission:

Labcorp Genetics (formerly Invitae), Labcorp
Classification: Uncertain significance for Primary dilated cardiomyopathy. Last evaluated: 2022-11-15. Review status: criteria provided, single submitter. Criteria: Invitae Variant Classification Sherloc (09022015). Collection method: clinical testing. Allele origin: germline.
Comment: This sequence change replaces glutamine, which is neutral and polar, with histidine, which is basic and polar, at codon 70 of the FHL2 protein (p.Gln70His). This variant is not present in population databases (gnomAD no frequency). This variant has not been reported in the literature in individuals affected with FHL2-related conditions. Advanced modeling of protein sequence and biophysical properties (such as structural, functional, and spatial information, amino acid conservation, physicochemical variation, residue mobility, and thermodynamic stability) performed at Invitae indicates that this missense variant is not expected to disrupt FHL2 protein function. Algorithms developed to predict the effect of sequence changes on RNA splicing suggest that this variant may create or strengthen a splice site. In summary, the available evidence is currently insufficient to determine the role of this variant in disease. Therefore, it has been classified as a Variant of Uncertain Significance.